The following is an entry in ClinVar:

ClinVar aggregate classification (germline): Likely benign (1 of 4 stars; one submission).

Allele frequency attached by ClinVar (database versions not stated): gnomAD exomes below 0.00001; ExAC 0.00002.
gnomAD v4.1: 3 of 1,611,764 alleles (0.00019%); highest among the groups gnomAD compares: East Asian, 0.0022%; no homozygotes.

Submission:

CeGaT Center for Human Genetics Tuebingen
Classification: Likely benign. Last evaluated: 2023-11-01. Review status: criteria provided, single submitter. Criteria: CeGaT Center For Human Genetics Tuebingen Variant Classification Criteria Version 2. Collection method: clinical testing. Allele origin: germline. Affected: yes. Observed: 1 variant allele.
Comment: AHNAK2: BP4

NM_138420.4(AHNAK2):c.2242C>G (p.Leu748Val)

Gene: AHNAK2 (AHNAK nucleoprotein 2; minus strand). Cytogenetic location: 14q32.33.
Variant type: single nucleotide variant.
Coding change: c.2242C>G on transcript NM_138420.4 (MANE Select); coding-DNA position 2242, C replaced by G.
Protein change: p.Leu748Val; replaces leucine 748 with valine.
Molecular consequence: missense variant.
Genome position (GRCh38, 1-based): chr14:104,953,209, G>C on the plus strand (C>G on the coding strand, the complement: AHNAK2 is on the minus strand). VCF-style: chr14-104953209-G-C. GRCh37 (hg19) VCF-style: chr14-105419546-G-C.
Other names: c.1942C>G, p.Leu648Val (NM_001350929.2); short protein forms L648V, L748V.
Identifiers: ClinVar variation 2672577 (VCV002672577.23), dbSNP rs751872271, ClinGen allele CA7383579.